The following is an entry in ClinVar:

ClinVar aggregate classification (germline): Uncertain significance (1 of 4 stars; one submission).

Allele frequency attached by ClinVar (database versions not stated): gnomAD exomes below 0.00001.
gnomAD v4.1: 1 of 1,613,368 alleles (0.000062%); highest among the groups gnomAD compares: Admixed American, 0.0017%; no homozygotes.

Submission:

Labcorp Genetics (formerly Invitae), Labcorp
Classification: Uncertain significance. Last evaluated: 2023-03-03. Review status: criteria provided, single submitter. Criteria: Invitae Variant Classification Sherloc (09022015). Collection method: clinical testing. Allele origin: germline.
Comment: In summary, the available evidence is currently insufficient to determine the role of this variant in disease. Therefore, it has been classified as a Variant of Uncertain Significance. An algorithm developed to predict the effect of missense changes on protein structure and function (PolyPhen-2) suggests that this variant is likely to be tolerated. This variant has not been reported in the literature in individuals affected with VAC14-related conditions. This variant is not present in population databases (gnomAD no frequency). This sequence change replaces aspartic acid, which is acidic and polar, with asparagine, which is neutral and polar, at codon 479 of the VAC14 protein (p.Asp479Asn).

NM_018052.5(VAC14):c.1435G>A (p.Asp479Asn)

Gene: VAC14 (VAC14 component of PIKFYVE complex; minus strand). Cytogenetic location: 16q22.1.
Variant type: single nucleotide variant.
Coding change: c.1435G>A on transcript NM_018052.5 (MANE Select); coding-DNA position 1435, G replaced by A.
Protein change: p.Asp479Asn; replaces aspartic acid 479 with asparagine.
Molecular consequence: missense variant.
Genome position (GRCh38, 1-based): chr16:70,744,516, C>T on the plus strand (G>A on the coding strand, the complement: VAC14 is on the minus strand). VCF-style: chr16-70744516-C-T. GRCh37 (hg19) VCF-style: chr16-70778419-C-T.
Other names: c.733G>A, p.Asp245Asn (NM_001351157.2); short protein forms D245N, D479N.
Identifiers: ClinVar variation 2884262 (VCV002884262.3), dbSNP rs2030678798, ClinGen allele CA396590647.
Genomic context (GRCh38, chr16:70,744,516, plus strand): 5'-TGGGCACCTGGAGCTCTGAGTGGCTGGCCTGGAGGTCAGGGCCATCGAGGGGGCCTGGGT[C>T]ATCCGTCTGGCCTGCGGGGGAGGAAGCGATTTCTGCCAGCACCTCCAGGTCCTTCAGGAT-3'
Protein context (NP_060522.3, residues 469-489): IASSPAGQTD[Asp479Asn]PGPLDGPDLQ